The following is an entry in ClinVar:

ClinVar aggregate classification (germline): Uncertain significance (1 of 4 stars; one submission).

Conditions:
STRC-related disorder. Also called: STRC-related condition.

Submission:

PreventionGenetics, part of Exact Sciences
Classification: Uncertain significance for STRC-related condition. Last evaluated: 2026-06-01. Review status: criteria provided, single submitter. Criteria: ACMG Guidelines, 2015. Collection method: clinical testing. Allele origin: germline.
Comment: The STRC c.3138+5G>C variant is predicted to interfere with splicing. To our knowledge, this variant has not been reported in the literature or in a large population database (gnomAD), indicating this variant is rare. At this time, the clinical significance of this variant is uncertain due to the absence of conclusive functional and genetic evidence.

NM_153700.2(STRC):c.3138+5G>C

Gene: STRC (stereocilin; minus strand). Cytogenetic location: 15q15.3.
Variant type: single nucleotide variant.
Coding change: c.3138+5G>C on transcript NM_153700.2 (MANE Select); 5 bases into the intron after coding-DNA position 3138, G replaced by C.
Molecular consequence: intron variant.
Genome position (GRCh38, 1-based): chr15:43,611,494, C>G on the plus strand (G>C on the coding strand, the complement: STRC is on the minus strand). VCF-style: chr15-43611494-C-G. GRCh37 (hg19) VCF-style: chr15-43903692-C-G.
Identifiers: ClinVar variation 4994115 (VCV004994115.1).